The following is an entry in ClinVar:

NM_000257.4(MYH7):c.2359C>T (p.Arg787Cys)

Genes: MYH7 (myosin heavy chain 7; minus strand), LOC126861898 (BRD4-independent group 4 enhancer GRCh37_chr14:23893609-23894808; plus strand). Cytogenetic location: 14q11.2.
Variant type: single nucleotide variant.
Coding change: c.2359C>T on transcript NM_000257.4 (MANE Select); coding-DNA position 2359, C replaced by T.
Protein change: p.Arg787Cys; replaces arginine 787 with cysteine.
Molecular consequence: missense variant.
Genome position (GRCh38, 1-based): chr14:23,425,346, G>A on the plus strand (C>T on the coding strand, the complement: MYH7 is on the minus strand). VCF-style: chr14-23425346-G-A. GRCh37 (hg19) VCF-style: chr14-23894555-G-A.
Other names: p.R787C:CGT>TGT; short protein forms R787C.
Identifiers: ClinVar variation 161327 (VCV000161327.62), dbSNP rs145677314, ClinGen allele CA012232.

ClinVar aggregate classification (germline): Conflicting classifications of pathogenicity. Review status: criteria provided, conflicting classifications (1 of 4 stars). 19 submissions from 17 submitters: Uncertain significance (14); Likely benign (4). 1 of the submissions does not count toward it. Last evaluated 2026-03-13.

Conditions:
MYH7-related disorder. Also called: MYH7-related disorders; MYH7-related condition; MYH7-related disease.
Cardiovascular phenotype. Identifiers: MedGen CN230736.
Myopathy, myosin storage, autosomal recessive (CMYO7B). Also called: CONGENITAL MYOPATHY 7B, MYOSIN STORAGE, AUTOSOMAL RECESSIVE. Identifiers: Orphanet 636970, MedGen C1850709, MONDO:0009708, OMIM 255160.
Dilated cardiomyopathy 1S (CMD1S). Identifiers: Orphanet 154, Orphanet 54260, MedGen C1834481, MONDO:0013262, OMIM 613426.
MYH7-related skeletal myopathy. Also called: Laing distal myopathy; Laing early-onset distal myopathy; MYOPATHY, DISTAL, EARLY-ONSET, AUTOSOMAL DOMINANT; MYOPATHY, LATE DISTAL HEREDITARY; Myopathy, distal, 1. Identifiers: Orphanet 59135, MedGen C4552004, MONDO:0008050, OMIM 160500.
Hypertrophic cardiomyopathy 1 (CMH1). Also called: Familial hypertrophic cardiomyopathy 1; MYH7-Related Familial Hypertrophic Cardiomyopathy. Identifiers: MedGen C3495498, MONDO:0008647, OMIM 192600.
Myosin storage myopathy (CMYO7A). Also called: SCAPULOPERONEAL MUSCULAR DYSTROPHY; SCAPULOPERONEAL SYNDROME, MYOPATHIC TYPE; MYOPATHY, HYALINE BODY, AUTOSOMAL DOMINANT; Scapuloperoneal myopathy, MYH7-related; MYH7-related late-onset scapuloperoneal muscular dystrophy; Congenital myopathy 7A, myosin storage, autosomal dominant. Identifiers: Orphanet 437572, Orphanet 636965, MedGen C1842160, MONDO:0008409, OMIM 608358.
Cardiomyopathy (CMYO). Also called: Cardiomyopathies. Identifiers: Orphanet 167848, MedGen C0878544, MONDO:0004994, HP:0001638. Inheritance: Various modes of inheritance.
Primary familial hypertrophic cardiomyopathy (HCM). Identifiers: Orphanet 99739, MedGen C0949658, MeSH D024741, MONDO:0024573. Inheritance: Various modes of inheritance.
Hypertrophic cardiomyopathy. Also called: HYPERTROPHIC MYOCARDIOPATHY. Identifiers: Orphanet 217569, MedGen C0007194, MeSH D002312, MONDO:0005045, HP:0001639.

Allele frequency attached by ClinVar (database versions not stated): ExAC 0.00006; gnomAD exomes 0.00006; ESP Exome Variant Server 0.00008; gnomAD 0.00009; TOPMed 0.00009.
gnomAD v4.1: 215 of 1,614,022 alleles (0.013%); highest among the groups gnomAD compares: Non-Finnish European, 0.017%; no homozygotes.

Submissions 1 to 8 of 19:

PreventionGenetics, part of Exact Sciences
Classification: Uncertain significance for MYH7-related condition. Last evaluated: 2026-03-13. Review status: criteria provided, single submitter. Criteria: ACMG Guidelines, 2015. Collection method: clinical testing. Allele origin: germline.
Comment: The MYH7 c.2359C>T variant is predicted to result in the amino acid substitution p.Arg787Cys. This variant has been reported in individuals from multiple hypertrophic cardiomyopathy (HCM) cohort studies; however, evidence to support pathogenicity was not provided (see for example: Morita et al. 2008. PubMed ID: 18403758; Coto et al. 2012. PubMed ID: 22765922; Andreasen et al. 2013. PubMed ID: 23299917; Table S1a, Walsh et al. 2017. PubMed ID: 27532257; Table S1, Kurzlechner et al. 2022. PubMed ID: 35629155). This variant was also reported in an individual with premature atrial contractions who had a nephew and niece with congenital aortic stenosis (Ng et al. 2013. PubMed ID: 23861362). This variant has been observed in only 18 out of ~282,860 alleles in the gnomAD database and has conflicting classifications in the ClinVar database ranging from likely benign to uncertain (Variation ID:161327). Additionally, a different amino acid substitution affecting the same amino acid (p.Arg787His) has reported as a variant of uncertain significance in individuals with HCM (see for example: Richard et al. 2003. PubMed ID: 12707239; Table S1, Chumakova et al. 2023. PubMed ID: 38002985). Based on these observations, the clinical significance of the c.2359C>T (p.Arg787Cys) variant is uncertain due to the absence of conclusive functional and genetic evidence.

Labcorp Genetics (formerly Invitae), Labcorp
Classification: Uncertain significance for Hypertrophic cardiomyopathy. Last evaluated: 2026-01-26. Review status: criteria provided, single submitter. Criteria: Invitae Variant Classification Sherloc (09022015). Collection method: clinical testing. Allele origin: germline.
Comment: This sequence change replaces arginine, which is basic and polar, with cysteine, which is neutral and slightly polar, at codon 787 of the MYH7 protein (p.Arg787Cys). This variant is present in population databases (rs145677314, gnomAD 0.009%). This missense change has been observed in individual(s) with hypertrophic cardiomyopathy (PMID: 18403758, 22765922, 27532257, 37652022). ClinVar contains an entry for this variant (Variation ID: 161327). Invitae Evidence Modeling of protein sequence and biophysical properties (such as structural, functional, and spatial information, amino acid conservation, physicochemical variation, residue mobility, and thermodynamic stability) indicates that this missense variant is expected to disrupt MYH7 protein function with a positive predictive value of 95%. This variant is found within a region of MYH7 between codons 181 and 937 that contains the majority of the myosin head domain. Missense variants in this region have been shown to be significantly overrepresented in individuals with hypertrophic cardiomyopathy (PMID: 27532257). In summary, the available evidence is currently insufficient to determine the role of this variant in disease. Therefore, it has been classified as a Variant of Uncertain Significance.

GeneDx
Classification: Uncertain significance. Last evaluated: 2025-11-26. Review status: criteria provided, single submitter. Criteria: GeneDx Variant Classification Process June 2021. Collection method: clinical testing. Allele origin: germline. Affected: yes.
Comment: Identified in a patient with infantile nephropathic cystinosis (INC) and muscle weakness (PMID: 34888877); Identified in patients with HCM referred for genetic testing at GeneDx and in published literature; at least one patient also harbored an additional cardiogenetic variant (PMID: 18403758, 19150014, 22765922, 27532257, 37652022); In silico analysis supports that this missense variant has a deleterious effect on protein structure/function; This variant is associated with the following publications: (PMID: 28606303, 23299917, 23861362, 25637381, 18403758, 22765922, 27532257, 34542152, 19150014, 37937776, 37652022, 29300372, 34888877, 40225148)

Color Diagnostics, LLC DBA Color Health
Classification: Likely benign for Cardiomyopathy. Last evaluated: 2025-11-05. Review status: criteria provided, single submitter. Criteria: ACMG Guidelines, 2015. Collection method: clinical testing. Allele origin: germline.

Ambry Genetics
Classification: Uncertain significance for Cardiovascular phenotype. Last evaluated: 2024-11-07. Review status: criteria provided, single submitter. Criteria: Ambry Variant Classification Scheme 2023. Collection method: clinical testing. Allele origin: germline.
Comment: The p.R787C variant (also known as c.2359C>T), located in coding exon 19 of the MYH7 gene, results from a C to T substitution at nucleotide position 2359. The arginine at codon 787 is replaced by cysteine, an amino acid with highly dissimilar properties. This alteration is located in the myosin head domain, which contains a statistically significant clustering of pathogenic missense variants (Homburger JR et al. Proc Natl Acad Sci U S A, 2016 06;113:6701-6; Walsh R et al. Genet Med, 2017 02;19:192-203; Ambry internal data). This variant has been reported in individual(s) in hypertrophic cardiomyopathy (HCM) cohorts, but clinical details were limited (Garc&iacute;a-Castro M et al. Rev Esp Cardiol, 2009 Jan;62:48-56; Tsoutsman T et al. Clin. Exp. Pharmacol. Physiol., 2008 Nov;35:1349-57; Coto E et al. J Mol Diagn, 2012 Sep;14:518-24; Walsh R et al. Genet. Med., 2017 02;19:192-203). This amino acid position is well conserved in available vertebrate species. In addition, the in silico prediction for this alteration is inconclusive. Since supporting evidence is limited at this time, the clinical significance of this alteration remains unclear.

All of Us Research Program, National Institutes of Health
Classification: Uncertain significance for Cardiomyopathy. Last evaluated: 2024-08-23. Review status: criteria provided, single submitter. Criteria: ACMG Guidelines, 2015. Collection method: clinical testing. Allele origin: germline. Inheritance: Autosomal dominant inheritance. Observed: 33 variant alleles, 33 heterozygotes.
Comment: This missense variant replaces arginine with cysteine at codon 787 of the MYH7 protein. Computational prediction is inconclusive regarding the impact of this variant on protein structure and function (internally defined REVEL score threshold 0.5 < inconclusive < 0.7, PMID: 27666373). To our knowledge, functional studies have not been reported for this variant. This variant has been reported in individuals affected with hypertrophic cardiomyopathy (PMID: 18403758, 22765922, 27532257). It has also been reported in an individual affected with neuromuscular disease (PMID: 34888877). This variant has also been identified in 18/282860 chromosomes in the general population by the Genome Aggregation Database (gnomAD). The available evidence is insufficient to determine the role of this variant in disease conclusively. Therefore, this variant is classified as a Variant of Uncertain Significance.

This study involves interpretation of variants in research participants for the purpose of population health screening. Participant phenotype was not available at the time of variant classification. Additional details can be found in publication PMID: 35346344, PMCID: PMC8962531

CeGaT Center for Human Genetics Tuebingen
Classification: Uncertain significance. Last evaluated: 2024-05-01. Review status: criteria provided, single submitter. Criteria: CeGaT Center For Human Genetics Tuebingen Variant Classification Criteria Version 2. Collection method: clinical testing. Allele origin: germline. Affected: yes. Observed: 2 variant alleles.
Comment: MYH7: PM2

Revvity Omics, Revvity
Classification: Uncertain significance. Last evaluated: 2024-03-14. Review status: criteria provided, single submitter. Criteria: ACMG Guidelines, 2015. Collection method: clinical testing. Allele origin: germline.